The following is an entry in ClinVar:

NM_000112.4(SLC26A2):c.1229A>G (p.Tyr410Cys)

Gene: SLC26A2 (solute carrier family 26 member 2; plus strand). Cytogenetic location: 5q32.
Variant type: single nucleotide variant.
Coding change: c.1229A>G on transcript NM_000112.4 (MANE Select); coding-DNA position 1229, A replaced by G.
Protein change: p.Tyr410Cys; replaces tyrosine 410 with cysteine.
Molecular consequence: missense variant.
Genome position (GRCh38, 1-based): chr5:149,980,822, A>G. VCF-style: chr5-149980822-A-G. GRCh37 (hg19) VCF-style: chr5-149360385-A-G.
Other names: short protein forms Y410C.
Identifiers: ClinVar variation 1509177 (VCV001509177.6), dbSNP rs1297067317, ClinGen allele CA361707423.
Genomic context (GRCh38, chr5:149,980,822, plus strand): 5'-CCATCATTGGTTTTGCTATCACTGTATCACTTTCTGAGATGTTTGCCAAGAAACATGGTT[A>G]CACAGTCAAAGCAAACCAGGAAATGTATGCCATTGGCTTTTGTAATATCATCCCTTCCTT-3'
Protein context (NP_000103.2, residues 400-420): LSEMFAKKHG[Tyr410Cys]TVKANQEMYA

ClinVar aggregate classification (germline): Uncertain significance (1 of 4 stars; one submission).

Conditions:
Multiple epiphyseal dysplasia type 4 (EDM4). Also called: SLC26A2-Related Multiple Epiphyseal Dysplasia; Multiple Epiphyseal Dysplasia, Recessive; MULTIPLE EPIPHYSEAL DYSPLASIA WITH BILAYERED PATELLAE; MULTIPLE EPIPHYSEAL DYSPLASIA WITH CLUBFOOT; MULTIPLE EPIPHYSEAL DYSPLASIA, AUTOSOMAL RECESSIVE. Identifiers: Orphanet 93307, MedGen C1847593, MONDO:0009189, OMIM 226900.
Achondrogenesis, type IB (ACG1B). Also called: Achondrogenesis Type 1B. Identifiers: Orphanet 932, Orphanet 93298, MedGen C0265274, MONDO:0010966, OMIM 600972.
Diastrophic dysplasia (DTD). Also called: Diastrophic dwarfism. Identifiers: Orphanet 628, MedGen C0220726, MONDO:0009107, OMIM 222600.
Atelosteogenesis type II (AO2). Also called: SLC26A2-Related Atelosteogenesis; NEONATAL OSSEOUS DYSPLASIA I; Neonatal osseous dysplasia 1. Identifiers: Orphanet 56304, MedGen C1850554, MONDO:0009727, OMIM 256050.

Allele frequency attached by ClinVar (database versions not stated): gnomAD exomes below 0.00001.
gnomAD v4.1: 2 of 1,614,134 alleles (0.00012%); highest among the groups gnomAD compares: Admixed American, 0.0017%; no homozygotes.

Submission:

Labcorp Genetics (formerly Invitae), Labcorp
Classification: Uncertain significance for Atelosteogenesis type II; Multiple epiphyseal dysplasia type 4; Achondrogenesis, type IB; Diastrophic dysplasia. Last evaluated: 2021-07-31. Review status: criteria provided, single submitter. Criteria: Invitae Variant Classification Sherloc (09022015). Collection method: clinical testing. Allele origin: germline.
Comment: In summary, the available evidence is currently insufficient to determine the role of this variant in disease. Therefore, it has been classified as a Variant of Uncertain Significance. Advanced modeling of protein sequence and biophysical properties (such as structural, functional, and spatial information, amino acid conservation, physicochemical variation, residue mobility, and thermodynamic stability) performed at Invitae indicates that this missense variant is expected to disrupt SLC26A2 protein function. This missense change has been observed in individual(s) with clinical features of diastrophic dysplasia (Invitae). This variant is not present in population databases (ExAC no frequency). This sequence change replaces tyrosine with cysteine at codon 410 of the SLC26A2 protein (p.Tyr410Cys). The tyrosine residue is highly conserved and there is a large physicochemical difference between tyrosine and cysteine.